The following is an entry in ClinVar:

NM_019066.5(MAGEL2):c.444_503del (p.Ser150_Met169del)

Gene: MAGEL2 (MAGE family member L2; minus strand). Cytogenetic location: 15q11.2.
Variant type: Deletion.
Coding change: c.444_503del on transcript NM_019066.5 (MANE Select); coding-DNA positions 444 to 503, 60 bases deleted.
Protein change: p.Ser150_Met169del.
Molecular consequence: inframe deletion.
Genome position (GRCh38, 1-based): chr15:23,647,240-23,647,299, 60 bases deleted. GRCh37 (hg19): chr15:23,892,416-23,892,475.
Other names: c.444_503del60 (NM_019066.4).
Identifiers: ClinVar variation 1383628 (VCV001383628.9), dbSNP rs1566785388, ClinGen allele CA489229487.

ClinVar aggregate classification (germline): Uncertain significance. Review status: criteria provided, multiple submitters, no conflicts (2 of 4 stars). 3 submissions from 3 submitters: Uncertain significance (3). Last evaluated 2026-07-28.

Conditions:
MAGEL2-related disorder. Also called: MAGEL2-related condition.

Submissions (3):

PreventionGenetics, part of Exact Sciences
Classification: Uncertain significance for MAGEL2-related condition. Last evaluated: 2026-07-28. Review status: criteria provided, single submitter. Criteria: ACMG Guidelines, 2015. Collection method: clinical testing. Allele origin: germline.
Comment: The MAGEL2 c.444_503del60 variant is predicted to result in an in-frame deletion (p.Ser150_Met169del). This variant has been reported as a variant of uncertain significance in a fetus with an abnormal ultrasound undergoing whole exome sequencing (Table S2, Qin et al. 2023. PubMed ID: 37880672). The metrics indicate poor quality exome data for this variant in gnomad v4.1. However, this variant is reported in 0.012% of alleles in individuals of Admixed American descent in the genome data of gnomAD v4.1, which may be too common to be a primary cause of disease. Although we suspect that this variant may be benign, at this time, the clinical significance of this variant is uncertain due to the absence of conclusive functional and genetic evidence.

Labcorp Genetics (formerly Invitae), Labcorp
Classification: Uncertain significance. Last evaluated: 2025-07-15. Review status: criteria provided, single submitter. Criteria: Invitae Variant Classification Sherloc (09022015). Collection method: clinical testing. Allele origin: germline.
Comment: This variant, c.444_503del, is a complex sequence change that results in the deletion of 20 amino acid(s) in the MAGEL2 protein (p.Ser150_Met169del). The frequency data for this variant in the population databases is considered unreliable, as metrics indicate poor data quality at this position in the gnomAD database. This variant has not been reported in the literature in individuals affected with MAGEL2-related conditions. ClinVar contains an entry for this variant (Variation ID: 1383628). Experimental studies and prediction algorithms are not available or were not evaluated, and the functional significance of this variant is currently unknown. In summary, the available evidence is currently insufficient to determine the role of this variant in disease. Therefore, it has been classified as a Variant of Uncertain Significance.

GeneDx
Classification: Uncertain significance. Last evaluated: 2023-02-28. Review status: criteria provided, single submitter. Criteria: GeneDx Variant Classification Process June 2021. Collection method: clinical testing. Allele origin: germline. Affected: yes.
Comment: In-frame deletion of 20 amino acids in a non-repeat region; In silico analysis supports a deleterious effect on protein structure/function; Has not been previously published as pathogenic or benign to our knowledge